The following is an entry in ClinVar:

ClinVar aggregate classification (germline): Conflicting classifications of pathogenicity. Review status: criteria provided, conflicting classifications (1 of 4 stars). 2 submissions from 2 submitters: Uncertain significance (1); Likely benign (1). Last evaluated 2024-07-13.

Conditions:
Colorectal cancer, hereditary nonpolyposis, type 7. Identifiers: Orphanet 144, MedGen C1858380, MONDO:0013725, OMIM 614385.

Submissions (2):

Ambry Genetics
Classification: Likely benign. Last evaluated: 2024-07-13. Review status: criteria provided, single submitter. Criteria: Ambry Variant Classification Scheme 2023. Collection method: clinical testing. Allele origin: germline.

Labcorp Genetics (formerly Invitae), Labcorp
Classification: Uncertain significance for Colorectal cancer, hereditary nonpolyposis, type 7. Last evaluated: 2023-12-12. Review status: criteria provided, single submitter. Criteria: Invitae Variant Classification Sherloc (09022015). Collection method: clinical testing. Allele origin: germline.
Comment: This sequence change replaces leucine, which is neutral and non-polar, with isoleucine, which is neutral and non-polar, at codon 1259 of the MLH3 protein (p.Leu1259Ile). This variant is not present in population databases (gnomAD no frequency). This variant has not been reported in the literature in individuals affected with MLH3-related conditions. Algorithms developed to predict the effect of missense changes on protein structure and function output the following: SIFT: "Not Available"; PolyPhen-2: "Benign"; Align-GVGD: "Not Available". The isoleucine amino acid residue is found in multiple mammalian species, which suggests that this missense change does not adversely affect protein function. In summary, the available evidence is currently insufficient to determine the role of this variant in disease. Therefore, it has been classified as a Variant of Uncertain Significance.

NM_001040108.2(MLH3):c.3775C>A (p.Leu1259Ile)

Gene: MLH3 (mutL homolog 3; minus strand). Cytogenetic location: 14q24.3.
Variant type: single nucleotide variant.
Coding change: c.3775C>A on transcript NM_001040108.2 (MANE Select); coding-DNA position 3775, C replaced by A.
Protein change: p.Leu1259Ile; replaces leucine 1259 with isoleucine.
Molecular consequence: missense variant.
Genome position (GRCh38, 1-based): chr14:75,032,120, G>T on the plus strand (C>A on the coding strand, the complement: MLH3 is on the minus strand). VCF-style: chr14-75032120-G-T. GRCh37 (hg19) VCF-style: chr14-75498823-G-T.
Other names: c.3703C>A, p.Leu1235Ile (NM_014381.3); short protein forms L1259I, L1235I.
Identifiers: ClinVar variation 2724864 (VCV002724864.4), dbSNP rs2503132072, ClinGen allele CA390424919.